The following is an entry in ClinVar:

NM_000138.5(FBN1):c.4337A>T (p.Asp1446Val)

Gene: FBN1 (fibrillin 1; minus strand). Cytogenetic location: 15q21.1.
Variant type: single nucleotide variant.
Coding change: c.4337A>T on transcript NM_000138.5 (MANE Select); coding-DNA position 4337, A replaced by T.
Protein change: p.Asp1446Val; replaces aspartic acid 1446 with valine.
Molecular consequence: missense variant.
Genome position (GRCh38, 1-based): chr15:48,470,756, T>A on the plus strand (A>T on the coding strand, the complement: FBN1 is on the minus strand). VCF-style: chr15-48470756-T-A. GRCh37 (hg19) VCF-style: chr15-48762953-T-A.
Other names: short protein forms D1446V.
Identifiers: ClinVar variation 42358 (VCV000042358.17), dbSNP rs397515806, ClinGen allele CA014977.

ClinVar aggregate classification (germline): Conflicting classifications of pathogenicity. Review status: criteria provided, conflicting classifications (1 of 4 stars). 5 submissions from 5 submitters: Likely pathogenic (2); Uncertain significance (3). Last evaluated 2026-02-04.

Conditions:
Marfan syndrome (MFS). Also called: FBN1-Related Marfan Syndrome; Marfan syndrome, classic; MARFAN SYNDROME, TYPE I; Marfan syndrome type 1; Marfan's syndrome. Identifiers: Orphanet 284963, Orphanet 558, MedGen C0024796, MONDO:0007947, OMIM 154700.
Familial thoracic aortic aneurysm and aortic dissection (TAAD). Also called: Thoracic aortic aneurysms and dissections. Identifiers: Orphanet 91387, MedGen C4707243, MONDO:0019625.

Submissions (5):

Ambry Genetics
Classification: Likely pathogenic for Familial thoracic aortic aneurysm and aortic dissection. Last evaluated: 2026-02-04. Review status: criteria provided, single submitter. Criteria: Ambry Variant Classification Scheme 2023. Collection method: clinical testing. Allele origin: germline.
Comment: The p.D1446V variant (also known as c.4337A>T) is located in coding exon 35 of the FBN1 gene. The aspartic acid at codon 1446 is replaced by valine, an amino acid with highly dissimilar properties. This change occurs in the first base pair of coding exon 35. This variant was reported in individual(s) with features consistent with Marfan syndrome and in individuals with reportedly non-syndromic aortic disease (Baudhuin LM et al. J Hum Genet, 2015 May;60:241-52; Murdock DR et al. Genet Med, 2021 Dec;23:2404-2414; Yagyu T et al. J Am Heart Assoc, 2023 Apr;12:e028625; Yang H et al. J Thorac Cardiovasc Surg, 2023 Dec;166:1594-1603.e5). This variant alters a conserved residue in the calcium-binding consensus sequence of a cbEGF domain and is expected to disrupt FBN1 function (Handford PA et al. Nature. 1991; 351(6322):164-7.) This amino acid position is highly conserved in available vertebrate species. In addition, this alteration is predicted to be deleterious by in silico analysis. This variant is considered to be rare based on population cohorts in the Genome Aggregation Database (gnomAD). Based on the majority of available evidence to date, this variant is likely to be pathogenic.

Labcorp Genetics (formerly Invitae), Labcorp
Classification: Uncertain significance for Marfan syndrome; Familial thoracic aortic aneurysm and aortic dissection. Last evaluated: 2025-09-16. Review status: criteria provided, single submitter. Criteria: Invitae Variant Classification Sherloc (09022015). Collection method: clinical testing. Allele origin: germline.
Comment: This sequence change replaces aspartic acid, which is acidic and polar, with valine, which is neutral and non-polar, at codon 1446 of the FBN1 protein (p.Asp1446Val). This variant is not present in population databases (gnomAD no frequency). This missense change has been observed in individual(s) with Marfan syndrome (PMID: 25652356). ClinVar contains an entry for this variant (Variation ID: 42358). An algorithm developed to predict the effect of missense changes on protein structure and function (PolyPhen-2) suggests that this variant is likely to be disruptive. This variant disrupts the p.Asp1446 amino acid residue in FBN1. Other variant(s) that disrupt this residue have been observed in individuals with FBN1-related conditions (PMID: 25907466, 33824467; internal data), which suggests that this may be a clinically significant amino acid residue. In summary, the available evidence is currently insufficient to determine the role of this variant in disease. Therefore, it has been classified as a Variant of Uncertain Significance.

Human Genome Sequencing Center Clinical Lab, Baylor College of Medicine
Classification: Likely pathogenic for Marfan syndrome. Last evaluated: 2020-02-04. Review status: criteria provided, single submitter. Criteria: ACMG Guidelines, 2015. Collection method: clinical testing. Allele origin: germline.
Comment: The c.4337A>T (p.Asp1446Val) variant in the FBN1 gene has been reported in an individual with suspected Marfan syndrome (MFS) (PMID: 25652356). Missense variants at the same amino residue (Asp1446Gly, Asp1446Asn) have also been reported in patients with MFS (PMID: 25652356, 12938084). This variant is absent from general population databases. It is located at the first nucleotide of exon 36 of the FBN1 coding sequence and may affect splicing of the FBN1 transcript. The p.Asp1446Val change is located in the EGF-like domain of the FBN1 protein. Multiple lines of in silico algorithms have predicted this change to be deleterious. Therefore, this c.4337A>T (p.Asp1446Val) in the FBN1 gene is classified as likely pathogenic.

CHEO Genetics Diagnostic Laboratory, Children's Hospital of Eastern Ontario
Classification: Uncertain significance for Familial thoracic aortic aneurysm and aortic dissection. Last evaluated: 2016-11-21. Review status: criteria provided, single submitter. Criteria: ACMG Guidelines, 2015. Collection method: clinical testing. Allele origin: germline. Study: Canadian Open Genetics Repository.

Laboratory for Molecular Medicine, Mass General Brigham Personalized Medicine
Classification: Uncertain significance. Last evaluated: 2014-11-03. Review status: criteria provided, single submitter. Criteria: LMM Criteria. Collection method: clinical testing. Allele origin: germline. Observed: 2 variant alleles.
Comment: proposed classification - variant undergoing re-assessment, contact laboratory

Literature cited by the submitters: PubMed 25652356 (cited by Ambry Genetics and Labcorp Genetics (formerly Invitae), Labcorp); PubMed 34363016 (cited by Ambry Genetics); PubMed 36517271 (cited by Ambry Genetics); PubMed 37042257 (cited by Ambry Genetics); PubMed 25907466 (cited by Labcorp Genetics (formerly Invitae), Labcorp); PubMed 33824467 (cited by Labcorp Genetics (formerly Invitae), Labcorp).